The following is an entry in ClinVar:

NM_000059.4(BRCA2):c.9107A>G (p.Gln3036Arg)

Gene: BRCA2 (BRCA2 DNA repair associated; plus strand). Cytogenetic location: 13q13.1.
Variant type: single nucleotide variant.
Coding change: c.9107A>G on transcript NM_000059.4 (MANE Select); coding-DNA position 9107, A replaced by G.
Protein change: p.Gln3036Arg; replaces glutamine 3036 with arginine.
Molecular consequence: missense variant.
Genome position (GRCh38, 1-based): chr13:32,379,903, A>G. VCF-style: chr13-32379903-A-G. GRCh37 (hg19) VCF-style: chr13-32954040-A-G.
Other names: c.9011A>G, p.Gln3004Arg (NM_001406719.1); c.9056A>G, p.Gln3019Arg (NM_001406720.1); c.4175A>G, p.Gln1392Arg (NM_001406721.1); c.2690A>G, p.Gln897Arg (NM_001406722.1); short protein forms Q3019R, Q1392R, Q3036R, Q3004R, Q897R.
Identifiers: ClinVar variation 1765829 (VCV001765829.6), dbSNP rs2137623768, ClinGen allele CA387757713.

ClinVar aggregate classification (germline): Conflicting classifications of pathogenicity. Review status: criteria provided, conflicting classifications (1 of 4 stars). 2 submissions from 2 submitters: Uncertain significance (1); Likely benign (1). Last evaluated 2025-05-15.

Conditions:
Hereditary cancer-predisposing syndrome. Also called: Neoplastic Syndromes, Hereditary; Tumor predisposition; Hereditary Cancer Syndrome; Hereditary neoplastic syndrome. Identifiers: Orphanet 140162, MedGen C0027672, MeSH D009386, MONDO:0015356.
Hereditary breast ovarian cancer syndrome. Also called: Hereditary breast and ovarian cancer; Hereditary breast and ovarian cancer syndrome (HBOC); BRCA1- and BRCA2-Associated Hereditary Breast and Ovarian Cancer; Breast and ovarian cancer; Hereditary breast and/or ovarian cancer syndrome; Hereditary breast and ovarian cancer syndrome. Identifiers: Orphanet 145, MedGen C0677776, MeSH D061325, MONDO:0003582. Disease mechanism: loss of function.

Submissions (2):

Ambry Genetics
Classification: Likely benign for Hereditary cancer-predisposing syndrome. Last evaluated: 2025-05-15. Review status: criteria provided, single submitter. Criteria: Ambry Variant Classification Scheme 2023. Collection method: clinical testing. Allele origin: germline.

Labcorp Genetics (formerly Invitae), Labcorp
Classification: Uncertain significance for Hereditary breast ovarian cancer syndrome. Last evaluated: 2023-05-17. Review status: criteria provided, single submitter. Criteria: Invitae Variant Classification Sherloc (09022015). Collection method: clinical testing. Allele origin: germline.
Comment: In summary, the available evidence is currently insufficient to determine the role of this variant in disease. Therefore, it has been classified as a Variant of Uncertain Significance. Advanced modeling of protein sequence and biophysical properties (such as structural, functional, and spatial information, amino acid conservation, physicochemical variation, residue mobility, and thermodynamic stability) performed at Invitae indicates that this missense variant is not expected to disrupt BRCA2 protein function. ClinVar contains an entry for this variant (Variation ID: 1765829). This variant has not been reported in the literature in individuals affected with BRCA2-related conditions. This variant is not present in population databases (gnomAD no frequency). This sequence change replaces glutamine, which is neutral and polar, with arginine, which is basic and polar, at codon 3036 of the BRCA2 protein (p.Gln3036Arg).